The following is an entry in ClinVar:

NM_003126.4(SPTA1):c.5801A>T (p.Asn1934Ile)

Gene: SPTA1 (spectrin alpha, erythrocytic 1; minus strand). Cytogenetic location: 1q23.1.
Variant type: single nucleotide variant.
Coding change: c.5801A>T on transcript NM_003126.4 (MANE Select); coding-DNA position 5801, A replaced by T.
Protein change: p.Asn1934Ile; replaces asparagine 1934 with isoleucine.
Molecular consequence: missense variant.
Genome position (GRCh38, 1-based): chr1:158,626,871, T>A on the plus strand (A>T on the coding strand, the complement: SPTA1 is on the minus strand). VCF-style: chr1-158626871-T-A. GRCh37 (hg19) VCF-style: chr1-158596661-T-A.
Other names: short protein forms N1934I.
Identifiers: ClinVar variation 2000142 (VCV002000142.4), dbSNP rs755271580, ClinGen allele CA343022033.

ClinVar aggregate classification (germline): Uncertain significance (1 of 4 stars; one submission).

Submission:

Labcorp Genetics (formerly Invitae), Labcorp
Classification: Uncertain significance. Last evaluated: 2022-08-20. Review status: criteria provided, single submitter. Criteria: Invitae Variant Classification Sherloc (09022015). Collection method: clinical testing. Allele origin: germline.
Comment: This sequence change replaces asparagine, which is neutral and polar, with isoleucine, which is neutral and non-polar, at codon 1934 of the SPTA1 protein (p.Asn1934Ile). This variant is not present in population databases (gnomAD no frequency). This variant has not been reported in the literature in individuals affected with SPTA1-related conditions. Algorithms developed to predict the effect of missense changes on protein structure and function (SIFT, PolyPhen-2, Align-GVGD) all suggest that this variant is likely to be disruptive. In summary, the available evidence is currently insufficient to determine the role of this variant in disease. Therefore, it has been classified as a Variant of Uncertain Significance.